The following is an entry in ClinVar:

NM_000170.3(GLDC):c.2919+1G>C

Gene: GLDC (glycine decarboxylase; minus strand). Cytogenetic location: 9p24.1.
Variant type: single nucleotide variant.
Coding change: c.2919+1G>C on transcript NM_000170.3 (MANE Select); the canonical splice donor site of the intron after coding-DNA position 2919, G replaced by C.
Molecular consequence: splice donor variant.
Genome position (GRCh38, 1-based): chr9:6,534,707, C>G on the plus strand (G>C on the coding strand, the complement: GLDC is on the minus strand). VCF-style: chr9-6534707-C-G. GRCh37 (hg19) VCF-style: chr9-6534707-C-G.
Identifiers: ClinVar variation 641943 (VCV000641943.14), dbSNP rs386833575, ClinGen allele CA372881975.
Genomic context (GRCh38, chr9:6,534,707, plus strand): 5'-CGTCAGGATAGGAGCTGGCCCATGCCTTCCCAGCTGGCACATTCAGATTCAGAGAACTTA[C>G]GAGTGGGAATGCTGCCACCTCTCTGGAATAAGGCCGGTCCCAGTGGGAAGATGTAACGCA-3'

ClinVar aggregate classification (germline): Pathogenic. Review status: criteria provided, multiple submitters, no conflicts (2 of 4 stars). 3 submissions from 3 submitters: Pathogenic (3). Last evaluated 2024-09-20.

Conditions:
Glycine encephalopathy. Also called: Non-ketotic hyperglycinemia; Nonketotic hyperglycinemia. Identifiers: Orphanet 407, MedGen C0751748, MONDO:0011612, HP:0008288.
Glycine encephalopathy 1 (GCE1). Identifiers: MedGen CN376801, MONDO:0958179, OMIM 605899.

gnomAD v4.1: 2 of 1,547,612 alleles (0.00013%); highest among the groups gnomAD compares: Non-Finnish European, 0.00018%; no homozygotes.

Submissions (3):

Natera, Inc.
Classification: Pathogenic for Non-ketotic hyperglycinemia. Last evaluated: 2024-09-20. Review status: criteria provided, single submitter. Criteria: Natera Variant Classification Schema (03/2026). Collection method: clinical testing. Allele origin: germline.
Comment: The c.2919+1G>C variant in GLDC is a canonical splice donor site variant predicted to affect pre-mRNA splicing, which may result in an abnormal transcript and altered protein product. This variant is expected to result in nonsense mediated decay, truncation, or a dysfunctional protein product. This variant is rare in the general population with a frequency below the threshold expected for the associated phenotype(s). This variant has been observed in one or more individuals affected with the associated recessive disease, as either homozygous or compound heterozygous with a second variant (PMID: 26179960). Another variant at this same site results in an alteration predicted to cause a similar molecular effect has been observed in individual(s) with the associated phenotype. Given the available evidence, this variant is classified as Pathogenic.

Fulgent Genetics
Classification: Pathogenic for Glycine encephalopathy 1. Last evaluated: 2024-03-09. Review status: criteria provided, single submitter. Criteria: ACMG Guidelines, 2015. Collection method: clinical testing. Allele origin: germline.

Labcorp Genetics (formerly Invitae), Labcorp
Classification: Pathogenic for Glycine encephalopathy. Last evaluated: 2023-02-17. Review status: criteria provided, single submitter. Criteria: Invitae Variant Classification Sherloc (09022015). Collection method: clinical testing. Allele origin: germline.
Comment: This sequence change affects a donor splice site in intron 24 of the GLDC gene. While this variant is not anticipated to result in nonsense mediated decay, it likely alters RNA splicing and results in a disrupted protein product. This variant is not present in population databases (gnomAD no frequency). Disruption of this splice site has been observed in individual(s) with glycine encephalopathy (PMID: 16601880, 26179960). In at least one individual the data is consistent with being in trans (on the opposite chromosome) from a pathogenic variant. ClinVar contains an entry for this variant (Variation ID: 641943). Variants that disrupt the consensus splice site are a relatively common cause of aberrant splicing (PMID: 17576681, 9536098). Algorithms developed to predict the effect of sequence changes on RNA splicing suggest that this variant may disrupt the consensus splice site. For these reasons, this variant has been classified as Pathogenic.

Literature cited by the submitters: PubMed 26179960 (cited by Natera, Inc. and Labcorp Genetics (formerly Invitae), Labcorp); PubMed 16601880 (cited by Labcorp Genetics (formerly Invitae), Labcorp); PubMed 17576681 (cited by Labcorp Genetics (formerly Invitae), Labcorp); PubMed 9536098 (cited by Labcorp Genetics (formerly Invitae), Labcorp).